The following is an entry in ClinVar:

NM_000426.4(LAMA2):c.6085+262A>G

Gene: LAMA2 (laminin subunit alpha 2; plus strand). Cytogenetic location: 6q22.33.
Variant type: single nucleotide variant.
Coding change: c.6085+262A>G on transcript NM_000426.4 (MANE Select); 262 bases into the intron after coding-DNA position 6085, A replaced by G.
Molecular consequence: intron variant.
Genome position (GRCh38, 1-based): chr6:129,439,024, A>G. VCF-style: chr6-129439024-A-G. GRCh37 (hg19) VCF-style: chr6-129760169-A-G.
Other names: c.6085+262A>G (NM_001079823.2).
Identifiers: ClinVar variation 671257 (VCV000671257.1), dbSNP rs11154477, ClinGen allele CA146915716.

ClinVar aggregate classification (germline): Benign (1 of 4 stars; one submission).

Allele frequency attached by ClinVar (database versions not stated): gnomAD 0.42616; 1000 Genomes Project 30x 0.40990; 1000 Genomes Project 0.41254; TOPMed 0.43009.
gnomAD v4.1: 64,680 of 151,454 alleles (43%); highest among the groups gnomAD compares: South Asian, 47%; 13,922 homozygotes.

Submission:

GeneDx
Classification: Benign. Last evaluated: 2018-06-14. Review status: criteria provided, single submitter. Criteria: GeneDx Variant Classification (06012015). Collection method: clinical testing. Allele origin: germline. Affected: yes.
Comment: This variant is considered likely benign or benign based on one or more of the following criteria: it is a conservative change, it occurs at a poorly conserved position in the protein, it is predicted to be benign by multiple in silico algorithms, and/or has population frequency not consistent with disease.